The following is an entry in ClinVar:

NM_000036.3(AMPD1):c.754G>T (p.Ala252Ser)

Gene: AMPD1 (adenosine monophosphate deaminase 1; minus strand). Cytogenetic location: 1p13.2.
Variant type: single nucleotide variant.
Coding change: c.754G>T on transcript NM_000036.3 (MANE Select); coding-DNA position 754, G replaced by T.
Protein change: p.Ala252Ser; replaces alanine 252 with serine.
Molecular consequence: missense variant.
Genome position (GRCh38, 1-based): chr1:114,680,272, C>A on the plus strand (G>T on the coding strand, the complement: AMPD1 is on the minus strand). VCF-style: chr1-114680272-C-A. GRCh37 (hg19) VCF-style: chr1-115222893-C-A.
Other names: c.742G>T, p.Ala248Ser (NM_001172626.2); short protein forms A248S, A252S.
Identifiers: ClinVar variation 1713962 (VCV001713962.5), dbSNP rs2526359172, ClinGen allele CA341750297.

ClinVar aggregate classification (germline): Uncertain significance (1 of 4 stars; one submission).

Conditions:
Muscle AMP deaminase deficiency (MMDD). Also called: ADENOSINE MONOPHOSPHATE DEAMINASE-1 DEFICIENCY, MYOPATHY DUE TO; AMPD1 DEFICIENCY; Myoadenylate deaminase deficiency, myopathy due to; Adenosine monophosphate deaminase 1 deficiency; AMP deaminase 1 deficiency; Adenosine Monophosphate Deaminase 1. Identifiers: Orphanet 45, MedGen C3714933, MONDO:0014220, OMIM 615511.

Allele frequency attached by ClinVar (database versions not stated): gnomAD exomes below 0.00001.

Submission:

Labcorp Genetics (formerly Invitae), Labcorp
Classification: Uncertain significance for Muscle AMP deaminase deficiency. Last evaluated: 2022-08-24. Review status: criteria provided, single submitter. Criteria: Invitae Variant Classification Sherloc (09022015). Collection method: clinical testing. Allele origin: germline.
Comment: This variant has not been reported in the literature in individuals affected with AMPD1-related conditions. This sequence change replaces alanine, which is neutral and non-polar, with serine, which is neutral and polar, at codon 285 of the AMPD1 protein (p.Ala285Ser). This variant is not present in population databases (gnomAD no frequency). Algorithms developed to predict the effect of missense changes on protein structure and function are either unavailable or do not agree on the potential impact of this missense change (SIFT: "Tolerated"; PolyPhen-2: "Possibly Damaging"; Align-GVGD: "Class C0"). In summary, the available evidence is currently insufficient to determine the role of this variant in disease. Therefore, it has been classified as a Variant of Uncertain Significance.